The following is an entry in ClinVar:

ClinVar aggregate classification (germline): Pathogenic (0 of 4 stars; one submission).

Conditions:
Congenital hypotrichosis with juvenile macular dystrophy (HJMD). Also called: HYPOTRICHOSIS WITH CONE-ROD DYSTROPHY. Identifiers: Orphanet 1573, MedGen C1832162, MONDO:0011107, OMIM 601553.

Submission:

Laboratorio de Imunogenetica e Histocompatibilidade, Universidade Federal do Parana
Classification: Pathogenic for Congenital hypotrichosis with juvenile macular dystrophy. Last evaluated: 2017-01-18. Review status: no assertion criteria provided. Collection method: research. Allele origin: germline. Inheritance: Autosomal recessive inheritance. Affected: yes and no. Observed: 5 variant alleles, 3 heterozygotes, 2 homozygotes.
Comment: The two brothers were homozygous for the variant and affected with Hypotrichosis with Juvenile Macular Dystrophy (HJMD) in a family with 4 children. Father, mother and one brother were heterozygous for this variant and were not affected.

NM_001793.6(CDH3):c.1795+1G>C

Gene: CDH3 (cadherin 3; plus strand). Cytogenetic location: 16q22.1.
Variant type: single nucleotide variant.
Coding change: c.1795+1G>C on transcript NM_001793.6 (MANE Select); the canonical splice donor site of the intron after coding-DNA position 1795, G replaced by C.
Molecular consequence: splice donor variant.
Genome position (GRCh38, 1-based): chr16:68,687,737, G>C. VCF-style: chr16-68687737-G-C. GRCh37 (hg19) VCF-style: chr16-68721640-G-C.
Other names: p-cadherin; c.1630+1G>C (NM_001317196.2); c.1795+1G>C (NM_001317195.3).
Identifiers: ClinVar variation 666275 (VCV000666275.3), dbSNP rs752131891, ClinGen allele CA396455045.